The following is an entry in ClinVar:

ClinVar aggregate classification (germline): Uncertain significance. Review status: criteria provided, multiple submitters, no conflicts (2 of 4 stars). 2 submissions from 2 submitters: Uncertain significance (2). Last evaluated 2025-06-26.

Conditions:
Charcot-Marie-Tooth disease type 2. Also called: Charcot-Marie-Tooth type 2. Identifiers: Orphanet 64746, MedGen C0270914, MONDO:0018993.

Allele frequency attached by ClinVar (database versions not stated): gnomAD exomes below 0.00001.
gnomAD v4.1: 4 of 1,614,118 alleles (0.00025%); highest among the groups gnomAD compares: Admixed American, 0.0033%; no homozygotes.

Submissions (2):

Ambry Genetics
Classification: Uncertain significance. Last evaluated: 2025-06-26. Review status: criteria provided, single submitter. Criteria: Ambry Variant Classification Scheme 2023. Collection method: clinical testing. Allele origin: germline.
Comment: The p.E1526K variant (also known as c.4576G>A), located in coding exon 40 of the KIF1B gene, results from a G to A substitution at nucleotide position 4576. The glutamic acid at codon 1526 is replaced by lysine, an amino acid with similar properties. This amino acid position is highly conserved in available vertebrate species. In addition, the in silico prediction for this alteration is inconclusive. The evidence for this gene-disease relationship is limited; therefore, the clinical significance of this alteration is unclear.

Labcorp Genetics (formerly Invitae), Labcorp
Classification: Uncertain significance for Charcot-Marie-Tooth disease type 2. Last evaluated: 2024-04-10. Review status: criteria provided, single submitter. Criteria: Invitae Variant Classification Sherloc (09022015). Collection method: clinical testing. Allele origin: germline.
Comment: This sequence change replaces glutamic acid, which is acidic and polar, with lysine, which is basic and polar, at codon 1526 of the KIF1B protein (p.Glu1526Lys). This variant is present in population databases (no rsID available, gnomAD 0.006%). This variant has not been reported in the literature in individuals affected with KIF1B-related conditions. ClinVar contains an entry for this variant (Variation ID: 1741594). An algorithm developed to predict the effect of missense changes on protein structure and function (PolyPhen-2) suggests that this variant is likely to be disruptive. In summary, the available evidence is currently insufficient to determine the role of this variant in disease. Therefore, it has been classified as a Variant of Uncertain Significance.

NM_001365951.3(KIF1B):c.4714G>A (p.Glu1572Lys)

Gene: KIF1B (kinesin family member 1B; plus strand). Cytogenetic location: 1p36.22.
Variant type: single nucleotide variant.
Coding change: c.4714G>A on transcript NM_001365951.3 (MANE Select); coding-DNA position 4714, G replaced by A.
Protein change: p.Glu1572Lys; replaces glutamic acid 1572 with lysine.
Molecular consequence: missense variant.
Genome position (GRCh38, 1-based): chr1:10,365,610, G>A. VCF-style: chr1-10365610-G-A. GRCh37 (hg19) VCF-style: chr1-10425668-G-A.
Other names: c.4714G>A, p.Glu1572Lys (NM_001365952.1); c.4576G>A, p.Glu1526Lys (NM_015074.3); short protein forms E1526K, E1572K.
Identifiers: ClinVar variation 1741594 (VCV001741594.6), dbSNP rs1472927510, ClinGen allele CA338322445.